The following is an entry in ClinVar:

NM_002035.4(KDSR):c.950G>A (p.Arg317His)

Gene: KDSR (3-ketodihydrosphingosine reductase; minus strand). Cytogenetic location: 18q21.33.
Variant type: single nucleotide variant.
Coding change: c.950G>A on transcript NM_002035.4 (MANE Select); coding-DNA position 950, G replaced by A.
Protein change: p.Arg317His; replaces arginine 317 with histidine.
Molecular consequence: missense variant.
Genome position (GRCh38, 1-based): chr18:63,331,831, C>T on the plus strand (G>A on the coding strand, the complement: KDSR is on the minus strand). VCF-style: chr18-63331831-C-T. GRCh37 (hg19) VCF-style: chr18-60999064-C-T.
Other names: p.Arg317His; c.950G>A (NM_002035.2); short protein forms R317H.
Identifiers: ClinVar variation 3380547 (VCV003380547.2).

ClinVar aggregate classification (germline): Uncertain significance. Review status: criteria provided, multiple submitters, no conflicts (2 of 4 stars). 2 submissions from 2 submitters: Uncertain significance (2). Last evaluated 2024-06-28.

Conditions:
Inborn genetic diseases. Identifiers: MedGen C0950123, MeSH D030342.

gnomAD v4.1: 192 of 1,613,790 alleles (0.012%); highest among the groups gnomAD compares: Non-Finnish European, 0.014%; no homozygotes.

Submissions (2):

Ambry Genetics
Classification: Uncertain significance for Inborn genetic diseases. Last evaluated: 2024-06-28. Review status: criteria provided, single submitter. Criteria: Ambry Variant Classification Scheme 2023. Collection method: clinical testing. Allele origin: germline.

Mayo Clinic Laboratories, Mayo Clinic
Classification: Uncertain significance. Last evaluated: 2024-02-21. Review status: criteria provided, single submitter. Criteria: ACMG Guidelines, 2015. Collection method: clinical testing. Allele origin: germline. Observed: 1 variant allele.
Comment: PM1_supporting